The following is an entry in ClinVar:

NM_000083.3(CLCN1):c.369T>C (p.Leu123=)

Gene: CLCN1 (chloride voltage-gated channel 1; plus strand). Cytogenetic location: 7q34.
Variant type: single nucleotide variant.
Coding change: c.369T>C on transcript NM_000083.3 (MANE Select); coding-DNA position 369, T replaced by C.
Protein change: p.Leu123=; no amino-acid change (leucine 123 retained).
Molecular consequence: synonymous variant. On other transcripts: non-coding transcript variant (1).
Genome position (GRCh38, 1-based): chr7:143,320,731, T>C. VCF-style: chr7-143320731-T-C. GRCh37 (hg19) VCF-style: chr7-143017824-T-C.
Identifiers: ClinVar variation 359097 (VCV000359097.19), dbSNP rs745674068, ClinGen allele CA4536922.
Genomic context (GRCh38, chr7:143,320,731, plus strand): 5'-CCACCGCCTGGGACAGGTGGTGAGAAGAAAATTAGGGGAAGACGGGATCTTTCTGGTGCT[T>C]CTGGGACTGCTGATGGCTCTGGTCAGCTGGAGCATGGACTACGTCAGTGCCAAAAGCCTT-3'
Protein context (NP_000074.3, residues 113-133): KLGEDGIFLV[Leu123=]LGLLMALVSW

ClinVar aggregate classification (germline): Likely benign. Review status: criteria provided, multiple submitters, no conflicts (2 of 4 stars). 3 submissions from 3 submitters: Likely benign (3). Last evaluated 2026-01-28.

Conditions:
Congenital myotonia, autosomal dominant form (THD). Also called: THOMSEN DISEASE; Myotonia congenita autosomal dominant. Identifiers: Orphanet 614, MedGen C2936781, MONDO:0008055, OMIM 160800.
Congenital myotonia, autosomal recessive form. Also called: myotonia congenita, autosomal recessive; BECKER DISEASE; Becker Generalized Myotonia. Identifiers: Orphanet 614, MedGen C0751360, MONDO:0009715, OMIM 255700.
Batten-Turner congenital myopathy. Also called: Myotonia congenita; Congenital myotonia. Identifiers: Orphanet 206973, MedGen C0027127, MONDO:0100468, OMIM 255300.

Allele frequency attached by ClinVar (database versions not stated): gnomAD 0.00005 and 0.00006; gnomAD exomes 0.00005 and 0.00011; TOPMed 0.00006; ExAC 0.00009.
gnomAD v4.1: 83 of 1,613,584 alleles (0.0051%); highest among the groups gnomAD compares: Admixed American, 0.0017%; 1 homozygote.

Submissions (3):

Labcorp Genetics (formerly Invitae), Labcorp
Classification: Likely benign for Congenital myotonia, autosomal recessive form; Congenital myotonia, autosomal dominant form. Last evaluated: 2026-01-28. Review status: criteria provided, single submitter. Criteria: Invitae Variant Classification Sherloc (09022015). Collection method: clinical testing. Allele origin: germline.

Blueprint Genetics
Classification: Likely benign. Last evaluated: 2024-08-06. Review status: criteria provided, single submitter. Criteria: ACMG Guidelines, 2015. Collection method: clinical testing. Allele origin: germline.

Illumina Laboratory Services, Illumina
Classification: Likely benign for Myotonia congenita. Last evaluated: 2018-01-13. Review status: criteria provided, single submitter. Criteria: ICSL Variant Classification Criteria 13 December 2019. Collection method: clinical testing. Allele origin: germline.
Comment: This variant was observed in the ICSL laboratory as part of a predisposition screen in an ostensibly healthy population. It had not been previously curated by ICSL or reported in the Human Gene Mutation Database (HGMD: prior to June 1st, 2018), and was therefore a candidate for classification through an automated scoring system. Utilizing variant allele frequency, disease prevalence and penetrance estimates, and inheritance mode, an automated score was calculated to assess if this variant is too frequent to cause the disease. Based on the score and internal cut-off values, a variant classified as likely benign is not then subjected to further curation. The score for this variant resulted in a classification of likely benign for this disease.